The following is an entry in ClinVar:

NM_014865.4(NCAPD2):c.5C>G (p.Ala2Gly)

Gene: NCAPD2 (non-SMC condensin I complex subunit D2; plus strand). Cytogenetic location: 12p13.31.
Variant type: single nucleotide variant.
Coding change: c.5C>G on transcript NM_014865.4 (MANE Select); coding-DNA position 5, C replaced by G.
Protein change: p.Ala2Gly; replaces alanine 2 with glycine.
Molecular consequence: missense variant.
Genome position (GRCh38, 1-based): chr12:6,495,103, C>G. VCF-style: chr12-6495103-C-G. GRCh37 (hg19) VCF-style: chr12-6604269-C-G.
Other names: short protein forms A2G.
Identifiers: ClinVar variation 2225068 (VCV002225068.4), dbSNP rs149571298, ClinGen allele CA6407905.

ClinVar aggregate classification (germline): Likely benign. Review status: criteria provided, single submitter (1 of 4 stars). 2 submissions from 2 submitters: Likely benign (1). 1 of the submissions does not count toward it. Last evaluated 2022-05-10.

Conditions:
NCAPD2-related disorder. Also called: NCAPD2-related condition.
Inborn genetic diseases. Identifiers: MedGen C0950123, MeSH D030342.

Allele frequency attached by ClinVar (database versions not stated): gnomAD exomes 0.00010; ExAC 0.00038; ESP Exome Variant Server 0.00085; gnomAD 0.00104; TOPMed 0.00107; 1000 Genomes Project 30x 0.00250; 1000 Genomes Project 0.00260.
gnomAD v4.1: 322 of 1,614,110 alleles (0.02%); highest among the groups gnomAD compares: African/African-American, 0.37%; no homozygotes.

Submissions (2):

Ambry Genetics
Classification: Likely benign for Inborn genetic diseases. Last evaluated: 2022-05-10. Review status: criteria provided, single submitter. Criteria: Ambry Variant Classification Scheme 2023. Collection method: clinical testing. Allele origin: germline.

PreventionGenetics, part of Exact Sciences
Classification: Likely benign for NCAPD2-related condition. Last evaluated: 2022-02-15. Review status: no assertion criteria provided. Collection method: clinical testing. Allele origin: germline. Not counted in ClinVar's aggregate classification.
Comment: This variant is classified as likely benign based on ACMG/AMP sequence variant interpretation guidelines (Richards et al. 2015 PMID: 25741868, with internal and published modifications).